The following is an entry in ClinVar:

NM_014319.5(LEMD3):c.179G>T (p.Gly60Val)

Gene: LEMD3 (LEM domain containing 3; plus strand). Cytogenetic location: 12q14.3.
Variant type: single nucleotide variant.
Coding change: c.179G>T on transcript NM_014319.5 (MANE Select); coding-DNA position 179, G replaced by T.
Protein change: p.Gly60Val; replaces glycine 60 with valine.
Molecular consequence: missense variant.
Genome position (GRCh38, 1-based): chr12:65,169,775, G>T. VCF-style: chr12-65169775-G-T. GRCh37 (hg19) VCF-style: chr12-65563555-G-T.
Other names: c.179G>T, p.Gly60Val (NM_001167614.2); short protein forms G60V.
Identifiers: ClinVar variation 2775962 (VCV002775962.3), dbSNP rs1156512183, ClinGen allele CA385671928.
Genomic context (GRCh38, chr12:65,169,775, plus strand): 5'-TCAAGAAGCTGAAGAAGCTTCGAGAGGAAGAGCAGCAACAGCACCGGTCAGGGGGCCGCG[G>T]CAACAAGACGCGGAACAGTAATAACAATAACACGGCAGCCGCCACGGTCGCAGCCGCGGG-3'
Protein context (NP_055134.2, residues 50-70): EQQQHRSGGR[Gly60Val]NKTRNSNNNN

ClinVar aggregate classification (germline): Uncertain significance (1 of 4 stars; one submission).

Submission:

Labcorp Genetics (formerly Invitae), Labcorp
Classification: Uncertain significance. Last evaluated: 2023-12-23. Review status: criteria provided, single submitter. Criteria: Invitae Variant Classification Sherloc (09022015). Collection method: clinical testing. Allele origin: germline.
Comment: This sequence change replaces glycine, which is neutral and non-polar, with valine, which is neutral and non-polar, at codon 60 of the LEMD3 protein (p.Gly60Val). This variant is not present in population databases (gnomAD no frequency). This variant has not been reported in the literature in individuals affected with LEMD3-related conditions. An algorithm developed to predict the effect of missense changes on protein structure and function (PolyPhen-2) suggests that this variant is likely to be tolerated. In summary, the available evidence is currently insufficient to determine the role of this variant in disease. Therefore, it has been classified as a Variant of Uncertain Significance.